The following is an entry in ClinVar:

NM_030632.3(ASXL3):c.1585G>T (p.Glu529Ter)

Gene: ASXL3 (ASXL transcriptional regulator 3; plus strand). Cytogenetic location: 18q12.1.
Variant type: single nucleotide variant.
Coding change: c.1585G>T on transcript NM_030632.3 (MANE Select); coding-DNA position 1585, G replaced by T.
Protein change: p.Glu529Ter; replaces glutamic acid 529 with a stop codon.
Molecular consequence: nonsense.
Genome position (GRCh38, 1-based): chr18:33,738,989, G>T. VCF-style: chr18-33738989-G-T. GRCh37 (hg19) VCF-style: chr18-31318953-G-T.
Other names: short protein forms E529*.
Identifiers: ClinVar variation 620218 (VCV000620218.1), dbSNP rs1568359887, ClinGen allele CA402175904.
Genomic context (GRCh38, chr18:33,738,989, plus strand): 5'-TTAGAAACTTTGCCTCATATTGAAGTTAAGATAGAAGGGAAGTCAGAATCACCCCAGGAA[G>T]AAATGACAGTTGTTATCGATCAGTTAGAAGTCTGTGACTCTCTTATTCCTTCCACTTCAT-3'

ClinVar aggregate classification (germline): Pathogenic (1 of 4 stars; one submission).

Submission:

GeneDx
Classification: Pathogenic. Last evaluated: 2018-06-07. Review status: criteria provided, single submitter. Criteria: GeneDx Variant Classification (06012015). Collection method: clinical testing. Allele origin: germline. Affected: yes.
Comment: The E529X nonsense variant in the ASXL3 gene has not been reported previously as a pathogenic variant nor as a benign variant to our knowledge. This variant is predicted to cause loss of normal protein function either through protein truncation or nonsense-mediated mRNA decay. The E529X variant is not observed in large population cohorts (Lek et al., 2016). The E529X variant is considered a pathogenic variant.